The following is an entry in ClinVar:

ClinVar aggregate classification (germline): Uncertain significance. Review status: criteria provided, multiple submitters, no conflicts (2 of 4 stars). 2 submissions from 2 submitters: Uncertain significance (2). Last evaluated 2026-01-27.

Conditions:
Inborn genetic diseases. Identifiers: MedGen C0950123, MeSH D030342.
Pulmonary fibrosis and/or bone marrow failure, Telomere-related, 3. Also called: PULMONARY FIBROSIS AND/OR BONE MARROW FAILURE SYNDROME, TELOMERE-RELATED, 3. Identifiers: Orphanet 2032, MedGen C4225346, MONDO:0014613, OMIM 616373.
Dyskeratosis congenita, autosomal recessive 5 (DKCB5). Identifiers: MedGen C3554656, MONDO:0014076, OMIM 615190.

Allele frequency attached by ClinVar (database versions not stated): gnomAD 0.00001; TOPMed below 0.00001.
gnomAD v4.1: 1 of 1,614,056 alleles (0.000062%); highest among the groups gnomAD compares: Non-Finnish European, 0.000085%; no homozygotes.

Submissions (2):

Labcorp Genetics (formerly Invitae), Labcorp
Classification: Uncertain significance for Dyskeratosis congenita, autosomal recessive 5; Pulmonary fibrosis and/or bone marrow failure, Telomere-related, 3. Last evaluated: 2026-01-27. Review status: criteria provided, single submitter. Criteria: Invitae Variant Classification Sherloc (09022015). Collection method: clinical testing. Allele origin: germline.
Comment: This sequence change replaces lysine, which is basic and polar, with arginine, which is basic and polar, at codon 199 of the RTEL1 protein (p.Lys199Arg). This variant is not present in population databases (gnomAD no frequency). This variant has not been reported in the literature in individuals affected with RTEL1-related conditions. ClinVar contains an entry for this variant (Variation ID: 1437135). An algorithm developed to predict the effect of missense changes on protein structure and function outputs the following: PolyPhen-2: "Benign". The arginine amino acid residue is found in multiple mammalian species, which suggests that this missense change does not adversely affect protein function. In summary, the available evidence is currently insufficient to determine the role of this variant in disease. Therefore, it has been classified as a Variant of Uncertain Significance.

Ambry Genetics
Classification: Uncertain significance for Inborn genetic diseases. Last evaluated: 2024-06-26. Review status: criteria provided, single submitter. Criteria: Ambry Variant Classification Scheme 2023. Collection method: clinical testing. Allele origin: germline.

NM_001283009.2(RTEL1):c.596A>G (p.Lys199Arg)

Genes: RTEL1 (regulator of telomere elongation helicase 1; plus strand), RTEL1-TNFRSF6B (RTEL1-TNFRSF6B readthrough (NMD candidate); plus strand). Cytogenetic location: 20q13.33.
Variant type: single nucleotide variant.
Coding change: c.596A>G on transcript NM_001283009.2 (MANE Select); coding-DNA position 596, A replaced by G.
Protein change: p.Lys199Arg; replaces lysine 199 with arginine.
Molecular consequence: missense variant. On other transcripts: non-coding transcript variant (1), 5 prime UTR variant (1).
Genome position (GRCh38, 1-based): chr20:63,666,061, A>G. VCF-style: chr20-63666061-A-G. GRCh37 (hg19) VCF-style: chr20-62297414-A-G.
Other names: c.-74A>G (NM_001283010.1); c.596A>G, p.Lys199Arg (NM_016434.4); c.668A>G, p.Lys223Arg (NM_032957.5); c.668A>G (NM_032957.4); short protein forms K223R, K199R.
Identifiers: ClinVar variation 1437135 (VCV001437135.7), dbSNP rs1377331597, ClinGen allele CA409670557.